The following is an entry in ClinVar:

NM_152383.5(DIS3L2):c.202C>G (p.Leu68Val)

Gene: DIS3L2 (DIS3 like 3'-5' exoribonuclease 2; plus strand). Cytogenetic location: 2q37.1.
Variant type: single nucleotide variant.
Coding change: c.202C>G on transcript NM_152383.5 (MANE Select); coding-DNA position 202, C replaced by G.
Protein change: p.Leu68Val; replaces leucine 68 with valine.
Molecular consequence: missense variant. On other transcripts: non-coding transcript variant (2).
Genome position (GRCh38, 1-based): chr2:232,015,663, C>G. VCF-style: chr2-232015663-C-G. GRCh37 (hg19) VCF-style: chr2-232880373-C-G.
Other names: c.202C>G, p.Leu68Val (NM_001257281.2, NM_001257282.2); short protein forms L68V.
Identifiers: ClinVar variation 2085232 (VCV002085232.4), dbSNP rs2106221853, ClinGen allele CA351152119.
Genomic context (GRCh38, chr2:232,015,663, plus strand): 5'-AGCATATTTGAAACTTACATGTCCAAGGAGGATGTTTCAGAAGGCTTGAAGAGAGGAACA[C>G]TCATCCAGGTGCTTAAAATCTACTGGAAGGCTATTCTCTGAATATGTAGAATCCAAAACA-3'
Protein context (NP_689596.4, residues 58-78): DVSEGLKRGT[Leu68Val]IQGVLRINPK

ClinVar aggregate classification (germline): Uncertain significance (1 of 4 stars; one submission).

Conditions:
Perlman syndrome (PRLMNS). Identifiers: Orphanet 2849, MedGen C0796113, MONDO:0009965, OMIM 267000.

Allele frequency attached by ClinVar (database versions not stated): gnomAD exomes 0.00001; 1000 Genomes Project 30x 0.00016.

Submission:

Labcorp Genetics (formerly Invitae), Labcorp
Classification: Uncertain significance for Perlman syndrome. Last evaluated: 2022-08-13. Review status: criteria provided, single submitter. Criteria: Invitae Variant Classification Sherloc (09022015). Collection method: clinical testing. Allele origin: germline.
Comment: This sequence change replaces leucine, which is neutral and non-polar, with valine, which is neutral and non-polar, at codon 68 of the DIS3L2 protein (p.Leu68Val). This variant is not present in population databases (gnomAD no frequency). This variant has not been reported in the literature in individuals affected with DIS3L2-related conditions. Algorithms developed to predict the effect of missense changes on protein structure and function are either unavailable or do not agree on the potential impact of this missense change (SIFT: "Tolerated"; PolyPhen-2: "Possibly Damaging"; Align-GVGD: "Class C0"). In summary, the available evidence is currently insufficient to determine the role of this variant in disease. Therefore, it has been classified as a Variant of Uncertain Significance.